The following is an entry in ClinVar:

ClinVar aggregate classification (germline): Uncertain significance (1 of 4 stars; one submission).

Allele frequency attached by ClinVar (database versions not stated): ExAC 0.00001; ESP Exome Variant Server 0.00008.
gnomAD v4.1: 7 of 1,610,624 alleles (0.00043%); highest among the groups gnomAD compares: Non-Finnish European, 0.00059%; no homozygotes.

Submission:

Labcorp Genetics (formerly Invitae), Labcorp
Classification: Uncertain significance. Last evaluated: 2020-10-29. Review status: criteria provided, single submitter. Criteria: Invitae Variant Classification Sherloc (09022015). Collection method: clinical testing. Allele origin: germline.
Comment: This variant has not been reported in the literature in individuals with IL6ST-related conditions. This variant is present in population databases (rs376610689, ExAC 0.001%). This sequence change replaces phenylalanine with valine at codon 433 of the IL6ST protein (p.Phe433Val). The phenylalanine residue is moderately conserved and there is a small physicochemical difference between phenylalanine and valine. Algorithms developed to predict the effect of missense changes on protein structure and function (SIFT, PolyPhen-2, Align-GVGD) all suggest that this variant is likely to be tolerated, but these predictions have not been confirmed by published functional studies and their clinical significance is uncertain. In summary, the available evidence is currently insufficient to determine the role of this variant in disease. Therefore, it has been classified as a Variant of Uncertain Significance. Algorithms developed to predict the effect of sequence changes on RNA splicing suggest that this variant may create or strengthen a splice site, but this prediction has not been confirmed by published transcriptional studies.

NM_002184.4(IL6ST):c.1297T>G (p.Phe433Val)

Gene: IL6ST (interleukin 6 cytokine family signal transducer; minus strand). Cytogenetic location: 5q11.2.
Variant type: single nucleotide variant.
Coding change: c.1297T>G on transcript NM_002184.4 (MANE Select); coding-DNA position 1297, T replaced by G.
Protein change: p.Phe433Val; replaces phenylalanine 433 with valine.
Molecular consequence: missense variant. On other transcripts: 3 prime UTR variant (1), non-coding transcript variant (2), intron variant (1).
Genome position (GRCh38, 1-based): chr5:55,954,963, A>C on the plus strand (T>G on the coding strand, the complement: IL6ST is on the minus strand). VCF-style: chr5-55954963-A-C. GRCh37 (hg19) VCF-style: chr5-55250791-A-C.
Other names: c.1297T>G, p.Phe433Val (NM_001364275.2); c.1087T>G, p.Phe363Val (NM_001364276.2); c.430T>G, p.Phe144Val (NM_001364277.2); c.394T>G, p.Phe132Val (NM_001364278.2); c.301T>G, p.Phe101Val (NM_001364279.2); c.*224T>G (NM_175767.3); c.1267+1062T>G (NM_001190981.2); short protein forms F101V, F132V, F144V, F363V, F433V.
Identifiers: ClinVar variation 1063297 (VCV001063297.9), dbSNP rs376610689, ClinGen allele CA3271449.
Genomic context (GRCh38, chr5:55,954,963, plus strand): 5'-ATTTCTTTACAGATTCCCTTGGAGTAGTCCATTCCACCCAAAGCATGTTATCTTTGGGGA[A>C]TGCTTTAAGATCCATTACAGGGTGAGTAGCTTTAAAACAAAGTTTGAATATTGAAATAAT-3'
Protein context (NP_002175.2, residues 423-443): ATHPVMDLKA[Phe433Val]PKDNMLWVEW